The following is an entry in ClinVar:

NM_000524.4(HTR1A):c.1000A>C (p.Lys334Gln)

Gene: HTR1A (5-hydroxytryptamine receptor 1A; minus strand). Cytogenetic location: 5q12.3.
Variant type: single nucleotide variant.
Coding change: c.1000A>C on transcript NM_000524.4 (MANE Select); coding-DNA position 1000, A replaced by C.
Protein change: p.Lys334Gln; replaces lysine 334 with glutamine.
Molecular consequence: missense variant.
Genome position (GRCh38, 1-based): chr5:63,960,720, T>G on the plus strand (A>C on the coding strand, the complement: HTR1A is on the minus strand). VCF-style: chr5-63960720-T-G. GRCh37 (hg19) VCF-style: chr5-63256547-T-G.
Other names: short protein forms K334Q.
Identifiers: ClinVar variation 1701478 (VCV001701478.31), dbSNP rs181835946, ClinGen allele CA3280794.

ClinVar aggregate classification (germline): Likely benign (1 of 4 stars; one submission).

Allele frequency attached by ClinVar (database versions not stated): ESP Exome Variant Server 0.00023; ExAC 0.00026; gnomAD exomes 0.00034 and 0.00050; TOPMed 0.00038; gnomAD 0.00041; 1000 Genomes Project 0.00060; 1000 Genomes Project 30x 0.00062.
gnomAD v4.1: 811 of 1,614,246 alleles (0.05%); highest among the groups gnomAD compares: Admixed American, 0.093%; no homozygotes.

Submission:

CeGaT Center for Human Genetics Tuebingen
Classification: Likely benign. Last evaluated: 2022-07-01. Review status: criteria provided, single submitter. Criteria: CeGaT Center For Human Genetics Tuebingen Variant Classification Criteria Version 2. Collection method: clinical testing. Allele origin: germline. Affected: yes. Observed: 1 variant allele.
Comment: HTR1A: BS1:Supporting